The following is an entry in ClinVar:

NM_015102.5(NPHP4):c.2440C>T (p.His814Tyr)

Gene: NPHP4 (nephrocystin 4; minus strand). Cytogenetic location: 1p36.31.
Variant type: single nucleotide variant.
Coding change: c.2440C>T on transcript NM_015102.5 (MANE Select); coding-DNA position 2440, C replaced by T.
Protein change: p.His814Tyr; replaces histidine 814 with tyrosine.
Molecular consequence: missense variant. On other transcripts: non-coding transcript variant (1).
Genome position (GRCh38, 1-based): chr1:5,887,331, G>A on the plus strand (C>T on the coding strand, the complement: NPHP4 is on the minus strand). VCF-style: chr1-5887331-G-A. GRCh37 (hg19) VCF-style: chr1-5947391-G-A.
Other names: c.901C>T, p.His301Tyr (NM_001291593.2); c.904C>T, p.His302Tyr (NM_001291594.2); short protein forms H301Y, H302Y, H814Y.
Identifiers: ClinVar variation 4978160 (VCV004978160.1).

ClinVar aggregate classification (germline): Uncertain significance (1 of 4 stars; one submission).

Conditions:
NPHP4-related disorder. Also called: NPHP4-related condition; NPHP4-related disorders. Identifiers: MedGen CN239384.

gnomAD v4.1: 4 of 1,613,564 alleles (0.00025%); highest among the groups gnomAD compares: East Asian, 0.0067%; no homozygotes.

Submission:

PreventionGenetics, part of Exact Sciences
Classification: Uncertain significance for NPHP4-related condition. Last evaluated: 2025-07-15. Review status: criteria provided, single submitter. Criteria: ACMG Guidelines, 2015. Collection method: clinical testing. Allele origin: germline.
Comment: The NPHP4 c.2440C>T variant is predicted to result in the amino acid substitution p.His814Tyr. To our knowledge, this variant has not been reported in the literature. This variant is reported in 0.017% of alleles in individuals of East Asian descent in gnomAD. At this time, the clinical significance of this variant is uncertain due to the absence of conclusive functional and genetic evidence.